The following is an entry in ClinVar:

ClinVar aggregate classification (germline): Uncertain significance. Review status: criteria provided, multiple submitters, no conflicts (2 of 4 stars). 3 submissions from 3 submitters: Uncertain significance (2). 1 of the submissions does not count toward it. Last evaluated 2025-12-18.

Conditions:
Hypertrophic cardiomyopathy 4. Also called: Familial hypertrophic cardiomyopathy 4. Identifiers: MedGen C1861862, MONDO:0007268, OMIM 115197.

Submissions (3):

3billion
Classification: Uncertain significance for Hypertrophic cardiomyopathy 4. Last evaluated: 2025-12-18. Review status: criteria provided, single submitter. Criteria: ACMG Guidelines, 2015. Collection method: clinical testing. Allele origin: germline. Affected: yes.
Comment: The variant is not observed in the gnomAD v4.1.0 dataset. Predicted Consequence/Location: Missense variant In silico tool predictions suggest damaging effect of the variant on gene or gene product [REVEL: 0.85 (>=0.6, sensitivity 0.68 and specificity 0.92)]. The same nucleotide change resulting in the same amino acid change has been previously reported to be associated with MYBPC3-related disorder (ClinVar ID: VCV001193309 /PMID: 16858239). However, the evidence of pathogenicity is insufficient at this time. A different missense change at the same codon (p.Gly1206Asp) have been reported to be associated with MYBPC3-related disorder (ClinVar ID: VCV000372421 /PMID: 16566405). Therefore, this variant is classified as VUS according to the recommendation of ACMG/AMP guideline.

GeneDx
Classification: Uncertain significance. Last evaluated: 2020-07-10. Review status: criteria provided, single submitter. Criteria: GeneDx Variant Classification Process June 2021. Collection method: clinical testing. Allele origin: germline. Affected: yes.
Comment: Reported in at least one patient with HCM, though patient-specific clinical and family data were not provided (Girolami et al., 2006; Olivotto et al., 2008); Not observed in large population cohorts (Lek et al., 2016); At the mRNA level, in silico analysis supports a deleterious effect on splicing; At the protein level, in silico analysis supports that this missense variant has a deleterious effect on protein structure/function; This variant is associated with the following publications: (PMID: 18533079, 16858239)

Biotechnology Department, Cairo University
Classification: Likely pathogenic for Hypertrophic cardiomyopathy 4. Review status: no assertion criteria provided. Collection method: clinical testing. Allele origin: unknown. Affected: yes. Not counted in ClinVar's aggregate classification.

Literature cited by the submitters: PubMed 16566405 (cited by 3billion); PubMed 16858239 (cited by 3billion).

NM_000256.3(MYBPC3):c.3617G>T (p.Gly1206Val)

Gene: MYBPC3 (myosin binding protein C3; minus strand). Cytogenetic location: 11p11.2.
Variant type: single nucleotide variant.
Coding change: c.3617G>T on transcript NM_000256.3 (MANE Select); coding-DNA position 3617, G replaced by T.
Protein change: p.Gly1206Val; replaces glycine 1206 with valine.
Molecular consequence: missense variant.
Genome position (GRCh38, 1-based): chr11:47,332,576, C>A on the plus strand (G>T on the coding strand, the complement: MYBPC3 is on the minus strand). VCF-style: chr11-47332576-C-A. GRCh37 (hg19) VCF-style: chr11-47354127-C-A.
Other names: short protein forms G1206V.
Identifiers: ClinVar variation 1193309 (VCV001193309.5), dbSNP rs1057517769, ClinGen allele CA054375.